The following is an entry in ClinVar:

ClinVar aggregate classification (germline): Uncertain significance (1 of 4 stars; one submission).

gnomAD v4.1: 2 of 1,614,138 alleles (0.00012%); highest among the groups gnomAD compares: South Asian, 0.0022%; no homozygotes.

Submission:

Ambry Genetics
Classification: Uncertain significance. Last evaluated: 2023-12-14. Review status: criteria provided, single submitter. Criteria: Ambry Variant Classification Scheme 2023. Collection method: clinical testing. Allele origin: germline.
Comment: The p.D846G variant (also known as c.2537A>G), located in coding exon 13 of the NPAT gene, results from an A to G substitution at nucleotide position 2537. The aspartic acid at codon 846 is replaced by glycine, an amino acid with similar properties. This amino acid position is conserved. In addition, the in silico prediction for this alteration is inconclusive. Since supporting evidence is limited at this time, the clinical significance of this alteration remains unclear.

NM_002519.3(NPAT):c.2537A>G (p.Asp846Gly)

Gene: NPAT (nuclear protein, coactivator of histone transcription; minus strand). Cytogenetic location: 11q22.3.
Variant type: single nucleotide variant.
Coding change: c.2537A>G on transcript NM_002519.3 (MANE Select); coding-DNA position 2537, A replaced by G.
Protein change: p.Asp846Gly; replaces aspartic acid 846 with glycine.
Molecular consequence: missense variant.
Genome position (GRCh38, 1-based): chr11:108,172,447, T>C on the plus strand (A>G on the coding strand, the complement: NPAT is on the minus strand). VCF-style: chr11-108172447-T-C. GRCh37 (hg19) VCF-style: chr11-108043174-T-C.
Other names: c.2537A>G, p.Asp846Gly (NM_001321307.1); short protein forms D846G.
Identifiers: ClinVar variation 1792768 (VCV001792768.2), dbSNP rs1591389970, ClinGen allele CA382512767.